The following is an entry in ClinVar:

NC_000007.13:g.(?_128637433)_(128694824_?)del

Gene: TNPO3 (transportin 3; minus strand). Cytogenetic location: 7q32.1.
Variant type: Deletion.
Identifiers: ClinVar variation 1435936 (VCV001435936.6).

ClinVar aggregate classification (germline): Uncertain significance (1 of 4 stars; one submission).

Conditions:
Autosomal dominant limb-girdle muscular dystrophy type 1F (LGMDD2). Also called: Limb-girdle muscular dystrophy, type 1F; MUSCULAR DYSTROPHY, LIMB-GIRDLE, AUTOSOMAL DOMINANT 2. Identifiers: Orphanet 55595, MedGen C1842062, MONDO:0012034, OMIM 608423.

Submission:

Labcorp Genetics (formerly Invitae), Labcorp
Classification: Uncertain significance for Autosomal dominant limb-girdle muscular dystrophy type 1F. Last evaluated: 2021-02-02. Review status: criteria provided, single submitter. Criteria: Invitae Variant Classification Sherloc (09022015). Collection method: clinical testing. Allele origin: germline.
Comment: In summary, the available evidence is currently insufficient to determine the role of this variant in disease. Therefore, it has been classified as a Variant of Uncertain Significance. Experimental studies and prediction algorithms are not available or were not evaluated, and the functional significance of this variant is currently unknown. This variant has not been reported in the literature in individuals with TNPO3-related conditions. This variant is a gross deletion of the genomic region encompassing exon(s) 1-8 of the TNPO3 gene, which includes the initiator codon. The 5' end of this event is unknown as it extends beyond the assayed region for this gene and therefore may encompass additional genes. The 3' boundary is likely confined to intron 8 of the TNPO3 gene. It is expected to result in an absent or disrupted protein product. However, the current clinical and genetic evidence is not sufficient to establish whether loss-of-function variants in TNPO3 cause disease.